The following is an entry in ClinVar:

NM_000135.4(FANCA):c.1607C>T (p.Ser536Leu)

Gene: FANCA (FA complementation group A; minus strand). Cytogenetic location: 16q24.3.
Variant type: single nucleotide variant.
Coding change: c.1607C>T on transcript NM_000135.4 (MANE Select); coding-DNA position 1607, C replaced by T.
Protein change: p.Ser536Leu; replaces serine 536 with leucine.
Molecular consequence: missense variant.
Genome position (GRCh38, 1-based): chr16:89,782,878, G>A on the plus strand (C>T on the coding strand, the complement: FANCA is on the minus strand). VCF-style: chr16-89782878-G-A. GRCh37 (hg19) VCF-style: chr16-89849286-G-A.
Other names: c.1607C>T, p.Ser536Leu (NM_001286167.3); short protein forms S536L.
Identifiers: ClinVar variation 2069702 (VCV002069702.1), dbSNP rs769047348, ClinGen allele CA397457948.

ClinVar aggregate classification (germline): Uncertain significance (1 of 4 stars; one submission).

Conditions:
Fanconi anemia (FA). Also called: Fanconi's anemia. Identifiers: Orphanet 84, MedGen C0015625, MeSH D005199, MONDO:0019391.

gnomAD v4.1: 1 of 1,614,094 alleles (0.000062%); highest among the groups gnomAD compares: Non-Finnish European, 0.000085%; no homozygotes.

Submission:

Labcorp Genetics (formerly Invitae), Labcorp
Classification: Uncertain significance for Fanconi anemia. Last evaluated: 2022-07-19. Review status: criteria provided, single submitter. Criteria: Invitae Variant Classification Sherloc (09022015). Collection method: clinical testing. Allele origin: germline.
Comment: This sequence change replaces serine, which is neutral and polar, with leucine, which is neutral and non-polar, at codon 536 of the FANCA protein (p.Ser536Leu). This variant is not present in population databases (gnomAD no frequency). This variant has not been reported in the literature in individuals affected with FANCA-related conditions. Advanced modeling of protein sequence and biophysical properties (such as structural, functional, and spatial information, amino acid conservation, physicochemical variation, residue mobility, and thermodynamic stability) performed at Invitae indicates that this missense variant is not expected to disrupt FANCA protein function. In summary, the available evidence is currently insufficient to determine the role of this variant in disease. Therefore, it has been classified as a Variant of Uncertain Significance.